The following is an entry in ClinVar:

ClinVar aggregate classification (germline): Likely pathogenic. Review status: criteria provided, multiple submitters, no conflicts (2 of 4 stars). 2 submissions from 2 submitters: Likely pathogenic (2). Last evaluated 2025-03-13.

Conditions:
Lynch syndrome 5 (LYNCH5). Also called: Colorectal cancer, hereditary nonpolyposis, type 5; Hereditary non-polyposis colorectal cancer, type 5. Identifiers: Orphanet 144, MedGen C1833477, MONDO:0013710, OMIM 614350. Disease mechanism: loss of function.

Submissions (2):

Clinical Genetics Laboratory, Skane University Hospital Lund
Classification: Likely pathogenic for Lynch syndrome 5. Last evaluated: 2025-03-13. Review status: criteria provided, single submitter. Criteria: ACMG Guidelines, 2015. Collection method: clinical testing. Allele origin: germline. Affected: yes.
Comment: Classified according to ClinGen InSiGHT Hereditary Colorectal Cancer/Polyposis Expert Panel Specifications to the ACMG/AMP Variant Interpretation Guidelines for MSH6 Version 1.0.0. Criteria used, PVS1, PM2_supporting.

Myriad Genetics, Inc.
Classification: Likely pathogenic for Lynch syndrome 5. Last evaluated: 2023-08-28. Review status: criteria provided, single submitter. Criteria: Myriad Autosomal Dominant, Autosomal Recessive and X-Linked Classification Criteria (2023). Collection method: clinical testing. Allele origin: unknown.
Comment: This variant is considered likely pathogenic. This variant creates a frameshift predicted to result in premature protein truncation.

NM_000179.3(MSH6):c.3922_3953dup (p.Arg1318fs)

Gene: MSH6 (mutS homolog 6; plus strand). Cytogenetic location: 2p16.3.
Variant type: Duplication.
Coding change: c.3922_3953dup on transcript NM_000179.3 (MANE Select); coding-DNA positions 3922 to 3953, 32 bases duplicated.
Protein change: p.Arg1318fs; shifts the reading frame from arginine 1318.
Molecular consequence: frameshift variant. On other transcripts: nonsense (1), non-coding transcript variant (5), intron variant (1).
Genome position (GRCh38, 1-based): chr2:47,806,572-47,806,603, 32 bases duplicated. GRCh37 (hg19): chr2:48,033,711-48,033,742.
Other names: c.3532_3563dup, p.Arg1188fs (NM_001281492.2); c.3016_3047dup, p.Arg1016fs (NM_001281493.2, NM_001281494.2, NM_001406811.1 and 6 more transcripts); c.4018_4049dup, p.Arg1350fs (NM_001406795.1); c.3922_3953dup, p.Arg1318fs (NM_001406796.1, NM_001406808.1, NM_001406809.1); c.3625_3656dup, p.Arg1219fs (NM_001406797.1, NM_001406801.1, NM_001406805.1 and 10 more transcripts); c.3748_3779dup, p.Arg1260fs (NM_001406798.1); c.3397_3428dup, p.Arg1143fs (NM_001406799.1, NM_001406806.1, NM_001406807.1); c.3909_3940dup, p.Glu1314delinsAlaProArgGlySerTyrSerLysGlyThrTer (NM_001406800.1); and 9 more; short protein forms R1016fs, R1030fs, R1143fs, R1188fs, R1219fs, R1260fs, R1262fs, R1292fs.
Identifiers: ClinVar variation 2673584 (VCV002673584.2), dbSNP rs2530870276, ClinGen allele CA2695200652.
Genomic context (GRCh38, chr2:47,806,571, plus strand): 5'-TAAATTCATTAAGGGAGCTTGTCCTAAAAGCTATGGCTTTAATGCAGCAAGGCTTGCTAA[T>TCTCCCAGAGGAAGTTATTCAAAAGGGACATAG]CTCCCAGAGGAAGTTATTCAAAAGGGACATAGAAAAGCAAGAGAATTTGAGAAGATGAAT-3'